The following is an entry in ClinVar:

NM_004415.4(DSP):c.1846C>T (p.Gln616Ter)

Gene: DSP (desmoplakin; plus strand). Cytogenetic location: 6p24.3.
Variant type: single nucleotide variant.
Coding change: c.1846C>T on transcript NM_004415.4 (MANE Select); coding-DNA position 1846, C replaced by T.
Protein change: p.Gln616Ter; replaces glutamine 616 with a stop codon.
Molecular consequence: nonsense.
Genome position (GRCh38, 1-based): chr6:7,571,527, C>T. VCF-style: chr6-7571527-C-T. GRCh37 (hg19) VCF-style: chr6-7571760-C-T.
Other names: c.1846C>T, p.Gln616Ter (NM_001008844.3, NM_001319034.2); short protein forms Q616*.
Identifiers: ClinVar variation 2025235 (VCV002025235.4), dbSNP rs2533894416, ClinGen allele CA362679512.
Genomic context (GRCh38, chr6:7,571,527, plus strand): 5'-GGCTCAGAGATGTTTGGAGATGATGACAAGCGGAAAATACAGTCTCAGTTCACCGATGCC[C>T]AGAAGCATTACCAGACCCTGGTCATTCAGCTCCCTGGCTATCCCCAGCACCAGACAGGTC-3'

ClinVar aggregate classification (germline): Pathogenic (1 of 4 stars; one submission).

Conditions:
Arrhythmogenic cardiomyopathy with wooly hair and keratoderma. Also called: Dilated cardiomyopathy with woolly hair and keratoderma; Carvajal syndrome; Arrhythmogenic cardiomyopathy with woolly hair and keratoderma; PALMOPLANTAR KERATODERMA WITH LEFT VENTRICULAR CARDIOMYOPATHY AND WOOLLY HAIR. Identifiers: Orphanet 65282, MedGen C1854063, MONDO:0011581, OMIM 605676.
Arrhythmogenic right ventricular dysplasia 8 (ARVD8). Also called: Arrhythmogenic Right Ventricular Dysplasia/Cardiomyopathy 8; ARRHYTHMOGENIC RIGHT VENTRICULAR DYSPLASIA, FAMILIAL, 8; ARRHYTHMOGENIC RIGHT VENTRICULAR CARDIOMYOPATHY 8. Identifiers: MedGen C1843896, MONDO:0011831, OMIM 607450.

Submission:

Labcorp Genetics (formerly Invitae), Labcorp
Classification: Pathogenic for Arrhythmogenic cardiomyopathy with wooly hair and keratoderma; Arrhythmogenic right ventricular dysplasia 8. Last evaluated: 2022-08-20. Review status: criteria provided, single submitter. Criteria: Invitae Variant Classification Sherloc (09022015). Collection method: clinical testing. Allele origin: germline.
Comment: For these reasons, this variant has been classified as Pathogenic. This variant has not been reported in the literature in individuals affected with DSP-related conditions. This variant is not present in population databases (gnomAD no frequency). This sequence change creates a premature translational stop signal (p.Gln616*) in the DSP gene. It is expected to result in an absent or disrupted protein product. Loss-of-function variants in DSP are known to be pathogenic (PMID: 20716751, 24503780, 25227139).

Literature cited by the submitters: PubMed 20716751; PubMed 24503780; PubMed 25227139.